The following is an entry in ClinVar:

NM_015910.7(WDPCP):c.1970T>C (p.Leu657Pro)

Gene: WDPCP (WD repeat containing planar cell polarity effector; minus strand). Cytogenetic location: 2p15.
Variant type: single nucleotide variant.
Coding change: c.1970T>C on transcript NM_015910.7 (MANE Select); coding-DNA position 1970, T replaced by C.
Protein change: p.Leu657Pro; replaces leucine 657 with proline.
Molecular consequence: missense variant. On other transcripts: non-coding transcript variant (3).
Genome position (GRCh38, 1-based): chr2:63,174,778, A>G on the plus strand (T>C on the coding strand, the complement: WDPCP is on the minus strand). VCF-style: chr2-63174778-A-G. GRCh37 (hg19) VCF-style: chr2-63401913-A-G.
Other names: c.1493T>C, p.Leu498Pro (NM_001042692.3); c.1898T>C, p.Leu633Pro (NM_001354044.2); short protein forms L657P, L633P, L498P.
Identifiers: ClinVar variation 2840550 (VCV002840550.3), dbSNP rs772783589, ClinGen allele CA1682039.

ClinVar aggregate classification (germline): Uncertain significance (1 of 4 stars; one submission).

Conditions:
Bardet-Biedl syndrome (BBS). Identifiers: Orphanet 110, MedGen C0752166, MONDO:0015229.

Allele frequency attached by ClinVar (database versions not stated): ExAC 0.00001; gnomAD 0.00001; gnomAD exomes 0.00001.
gnomAD v4.1: 5 of 1,613,878 alleles (0.00031%); highest among the groups gnomAD compares: South Asian, 0.0055%; no homozygotes.

Submission:

Labcorp Genetics (formerly Invitae), Labcorp
Classification: Uncertain significance for Bardet-Biedl syndrome. Last evaluated: 2024-10-22. Review status: criteria provided, single submitter. Criteria: Invitae Variant Classification Sherloc (09022015). Collection method: clinical testing. Allele origin: germline.
Comment: This sequence change replaces leucine, which is neutral and non-polar, with proline, which is neutral and non-polar, at codon 657 of the WDPCP protein (p.Leu657Pro). This variant is present in population databases (rs772783589, gnomAD 0.003%). This variant has not been reported in the literature in individuals affected with WDPCP-related conditions. Invitae Evidence Modeling of protein sequence and biophysical properties (such as structural, functional, and spatial information, amino acid conservation, physicochemical variation, residue mobility, and thermodynamic stability) indicates that this missense variant is not expected to disrupt WDPCP protein function with a negative predictive value of 80%. In summary, the available evidence is currently insufficient to determine the role of this variant in disease. Therefore, it has been classified as a Variant of Uncertain Significance.